The following is an entry in ClinVar:

ClinVar aggregate classification (germline): Pathogenic/Likely pathogenic. Review status: criteria provided, multiple submitters, no conflicts (2 of 4 stars). 2 submissions from 2 submitters: Pathogenic (1); Likely pathogenic (1). Last evaluated 2024-11-25.

Conditions:
Amyotrophic lateral sclerosis type 1 (ALS1). Also called: AMYOTROPHIC LATERAL SCLEROSIS 1, FAMILIAL. Identifiers: Orphanet 803, MedGen C1862939, MONDO:0007103, OMIM 105400.

Submissions (2):

Revvity Omics, Revvity
Classification: Pathogenic. Last evaluated: 2024-11-25. Review status: criteria provided, single submitter. Criteria: ACMG Guidelines, 2015. Collection method: clinical testing. Allele origin: germline.

Labcorp Genetics (formerly Invitae), Labcorp
Classification: Likely pathogenic for Amyotrophic lateral sclerosis type 1. Last evaluated: 2022-06-30. Review status: criteria provided, single submitter. Criteria: Invitae Variant Classification Sherloc (09022015). Collection method: clinical testing. Allele origin: germline.
Comment: Advanced modeling of protein sequence and biophysical properties (such as structural, functional, and spatial information, amino acid conservation, physicochemical variation, residue mobility, and thermodynamic stability) performed at Invitae indicates that this missense variant is expected to disrupt SOD1 protein function. ClinVar contains an entry for this variant (Variation ID: 858432). This variant is also known as p.Val87Ala. This missense change has been observed in individuals with clinical features of amyotrophic lateral sclerosis (PMID: 14506936, 27604643; Invitae). This variant is present in population databases (no rsID available, gnomAD 0.0009%). This sequence change replaces valine, which is neutral and non-polar, with alanine, which is neutral and non-polar, at codon 88 of the SOD1 protein (p.Val88Ala). Experimental studies have shown that this missense change affects SOD1 function (PMID: 23280792). In summary, the currently available evidence indicates that the variant is pathogenic, but additional data are needed to prove that conclusively. Therefore, this variant has been classified as Likely Pathogenic.

Literature cited by the submitters: PubMed 14506936 (cited by Labcorp Genetics (formerly Invitae), Labcorp); PubMed 27604643 (cited by Labcorp Genetics (formerly Invitae), Labcorp); PubMed 23280792 (cited by Labcorp Genetics (formerly Invitae), Labcorp).

NM_000454.5(SOD1):c.263T>C (p.Val88Ala)

Gene: SOD1 (superoxide dismutase 1; plus strand). Cytogenetic location: 21q22.11.
Variant type: single nucleotide variant.
Coding change: c.263T>C on transcript NM_000454.5 (MANE Select); coding-DNA position 263, T replaced by C.
Protein change: p.Val88Ala; replaces valine 88 with alanine.
Molecular consequence: missense variant.
Genome position (GRCh38, 1-based): chr21:31,667,281, T>C. VCF-style: chr21-31667281-T-C. GRCh37 (hg19) VCF-style: chr21-33039594-T-C.
Other names: short protein forms V88A.
Identifiers: ClinVar variation 858432 (VCV000858432.12), dbSNP rs1339283341, ClinGen allele CA410037421.